The following is an entry in ClinVar:

ClinVar aggregate classification (germline): Likely benign. Review status: criteria provided, multiple submitters, no conflicts (2 of 4 stars). 3 submissions from 3 submitters: Likely benign (3). Last evaluated 2025-02-01.

Conditions:
Holoprosencephaly 9 (HPE9). Also called: PITUITARY ANOMALIES WITH HOLOPROSENCEPHALY-LIKE FEATURES; HOLOPROSENCEPHALY WITH MICROPHTHALMIA AND FIRST BRANCHIAL ARCH ANOMALIES. Identifiers: Orphanet 2162, MedGen C1835819, MONDO:0012563, OMIM 610829.
Postaxial polydactyly-anterior pituitary anomalies-facial dysmorphism syndrome. Also called: Culler-Jones syndrome. Identifiers: Orphanet 420584, MedGen C4014479, MONDO:0014369, OMIM 615849.
GLI2-related disorder. Also called: GLI2-related condition; GLI2-related disorders.

Allele frequency attached by ClinVar (database versions not stated): ExAC 0.00004.
gnomAD v4.1: 35 of 1,613,610 alleles (0.0022%); highest among the groups gnomAD compares: East Asian, 0.0089%; no homozygotes.

Submissions (3):

CeGaT Center for Human Genetics Tuebingen
Classification: Likely benign. Last evaluated: 2025-02-01. Review status: criteria provided, single submitter. Criteria: CeGaT Center For Human Genetics Tuebingen Variant Classification Criteria Version 2. Collection method: clinical testing. Allele origin: germline. Affected: yes. Observed: 1 variant allele.
Comment: GLI2: BP4, BP7

PreventionGenetics, part of Exact Sciences
Classification: Likely benign for GLI2-related condition. Last evaluated: 2024-11-25. Review status: criteria provided, single submitter. Criteria: ACMG Guidelines, 2015. Collection method: clinical testing. Allele origin: germline.
Comment: This variant is classified as likely benign based on ACMG/AMP sequence variant interpretation guidelines (Richards et al. 2015 PMID: 25741868, with internal and published modifications).

Labcorp Genetics (formerly Invitae), Labcorp
Classification: Likely benign for Postaxial polydactyly-anterior pituitary anomalies-facial dysmorphism syndrome; Holoprosencephaly 9. Last evaluated: 2023-07-10. Review status: criteria provided, single submitter. Criteria: Invitae Variant Classification Sherloc (09022015). Collection method: clinical testing. Allele origin: germline.

NM_001374353.1(GLI2):c.1833C>T (p.Thr611=)

Gene: GLI2 (GLI family zinc finger 2; plus strand). Cytogenetic location: 2q14.2.
Variant type: single nucleotide variant.
Coding change: c.1833C>T on transcript NM_001374353.1 (MANE Select); coding-DNA position 1833, C replaced by T.
Protein change: p.Thr611=; no amino-acid change (threonine 611 retained).
Molecular consequence: synonymous variant.
Genome position (GRCh38, 1-based): chr2:120,984,671, C>T. VCF-style: chr2-120984671-C-T. GRCh37 (hg19) VCF-style: chr2-121742247-C-T.
Other names: c.1884C>T (NM_005270.4); c.1884C>T, p.Thr628= (NM_001371271.1, NM_005270.5); c.1458C>T, p.Thr486= (NM_001374354.1).
Identifiers: ClinVar variation 2947669 (VCV002947669.17), dbSNP rs779724810, ClinGen allele CA1852045.